The following is an entry in ClinVar:

NM_001105247.2(ARMC5):c.2106G>A (p.Ala702=)

Gene: ARMC5 (armadillo repeat containing 5; plus strand). Cytogenetic location: 16p11.2.
Variant type: single nucleotide variant.
Coding change: c.2106G>A on transcript NM_001105247.2 (MANE Select); coding-DNA position 2106, G replaced by A.
Protein change: p.Ala702=; no amino-acid change (alanine 702 retained).
Molecular consequence: synonymous variant. On other transcripts: 3 prime UTR variant (1).
Genome position (GRCh38, 1-based): chr16:31,466,187, G>A. VCF-style: chr16-31466187-G-A. GRCh37 (hg19) VCF-style: chr16-31477508-G-A.
Other names: c.2391G>A, p.Ala797= (NM_001288767.2); c.2202G>A, p.Ala734= (NM_001301820.1); c.*986G>A (NM_024742.2).
Identifiers: ClinVar variation 3047624 (VCV003047624.2), dbSNP rs777189617, ClinGen allele CA8029975.

ClinVar aggregate classification (germline): Likely benign (0 of 4 stars; one submission).

Conditions:
ARMC5-related disorder. Also called: ARMC5-related condition.

Allele frequency attached by ClinVar (database versions not stated): gnomAD exomes 0.00001; ExAC 0.00002; gnomAD 0.00003; TOPMed 0.00005.
gnomAD v4.1: 27 of 1,612,340 alleles (0.0017%); highest among the groups gnomAD compares: African/African-American, 0.0093%; no homozygotes.

Submission:

PreventionGenetics, part of Exact Sciences
Classification: Likely benign for ARMC5-related condition. Last evaluated: 2019-03-19. Review status: no assertion criteria provided. Collection method: clinical testing. Allele origin: germline.
Comment: This variant is classified as likely benign based on ACMG/AMP sequence variant interpretation guidelines (Richards et al. 2015 PMID: 25741868, with internal and published modifications).